The following is an entry in ClinVar:

ClinVar aggregate classification (germline): Uncertain significance (1 of 4 stars; one submission).

Allele frequency attached by ClinVar (database versions not stated): gnomAD exomes below 0.00001; TOPMed 0.00001.
gnomAD v4.1: 1 of 1,566,832 alleles (0.000064%); highest among the groups gnomAD compares: Non-Finnish European, 0.000086%; no homozygotes.

Submission:

Ambry Genetics
Classification: Uncertain significance. Last evaluated: 2025-04-04. Review status: criteria provided, single submitter. Criteria: Ambry Variant Classification Scheme 2023. Collection method: clinical testing. Allele origin: germline.
Comment: The p.N1428S variant (also known as c.4283A>G), located in coding exon 14 of the CDK12 gene, results from an A to G substitution at nucleotide position 4283. The asparagine at codon 1428 is replaced by serine, an amino acid with highly similar properties. This amino acid position is conserved. In addition, this alteration is predicted to be tolerated by in silico analysis. Based on the available evidence, the clinical significance of this variant remains unclear.

NM_016507.4(CDK12):c.4283A>G (p.Asn1428Ser)

Gene: CDK12 (cyclin dependent kinase 12; plus strand). Cytogenetic location: 17q12.
Variant type: single nucleotide variant.
Coding change: c.4283A>G on transcript NM_016507.4 (MANE Select); coding-DNA position 4283, A replaced by G.
Protein change: p.Asn1428Ser; replaces asparagine 1428 with serine.
Molecular consequence: missense variant.
Genome position (GRCh38, 1-based): chr17:39,531,126, A>G. VCF-style: chr17-39531126-A-G. GRCh37 (hg19) VCF-style: chr17-37687379-A-G.
Other names: c.4256A>G, p.Asn1419Ser (NM_015083.4); short protein forms N1419S, N1428S.
Identifiers: ClinVar variation 2273314 (VCV002273314.3), dbSNP rs2054817153, ClinGen allele CA398849121.